The following is an entry in ClinVar:

ClinVar aggregate classification (germline): Uncertain significance. Review status: criteria provided, multiple submitters, no conflicts (2 of 4 stars). 2 submissions from 2 submitters: Uncertain significance (2). Last evaluated 2024-03-25.

Conditions:
Adenylosuccinate lyase deficiency (ADSLD). Also called: ADSL DEFICIENCY. Identifiers: Orphanet 46, MedGen C0268126, MONDO:0007068, OMIM 103050.

Allele frequency attached by ClinVar (database versions not stated): TOPMed below 0.00001; gnomAD exomes 0.00001.

Submissions (2):

Blueprint Genetics
Classification: Uncertain significance. Last evaluated: 2024-03-25. Review status: criteria provided, single submitter. Criteria: ACMG Guidelines, 2015. Collection method: clinical testing. Allele origin: germline.

Labcorp Genetics (formerly Invitae), Labcorp
Classification: Uncertain significance for Adenylosuccinate lyase deficiency. Last evaluated: 2022-07-05. Review status: criteria provided, single submitter. Criteria: Invitae Variant Classification Sherloc (09022015). Collection method: clinical testing. Allele origin: germline.
Comment: This variant, c.1261_1263del, results in the deletion of 1 amino acid(s) of the ADSL protein (p.Asn421del), but otherwise preserves the integrity of the reading frame. This variant is not present in population databases (gnomAD no frequency). This variant has not been reported in the literature in individuals affected with ADSL-related conditions. ClinVar contains an entry for this variant (Variation ID: 1413651). Experimental studies and prediction algorithms are not available or were not evaluated, and the functional significance of this variant is currently unknown. In summary, the available evidence is currently insufficient to determine the role of this variant in disease. Therefore, it has been classified as a Variant of Uncertain Significance.

NM_000026.4(ADSL):c.1261_1263del (p.Asn421del)

Gene: ADSL (adenylosuccinate lyase; plus strand). Cytogenetic location: 22q13.1.
Variant type: Deletion.
Coding change: c.1261_1263del on transcript NM_000026.4 (MANE Select); coding-DNA positions 1261 to 1263, 3 bases deleted (AAT; older notation c.1261_1263delAAT).
Protein change: p.Asn421del; deletes asparagine 421.
Molecular consequence: inframe deletion. On other transcripts: non-coding transcript variant (1), intron variant (1).
Genome position (GRCh38, 1-based): chr22:40,364,949-40,364,951, AAT deleted. VCF-style (leftmost placement, unchanged base first): chr22-40364948-CAAT-C. GRCh37 (hg19) VCF-style: chr22-40760952-CAAT-C.
Other names: c.1069_1071del, p.Asn357del (NM_001317923.2); c.1261_1263del, p.Asn421del (NM_001363840.3); c.1191+584_1191+586del (NM_001123378.3); short protein forms N357del, N421del.
Identifiers: ClinVar variation 1413651 (VCV001413651.6), dbSNP rs778107338, ClinGen allele CA324460721.